The following is an entry in ClinVar:

ClinVar aggregate classification (germline): Conflicting classifications of pathogenicity. Review status: criteria provided, conflicting classifications (1 of 4 stars). 3 submissions from 3 submitters: Uncertain significance (1); Likely benign (2). Last evaluated 2025-01-28.

Conditions:
PLEC-related disorder. Also called: PLEC-related condition; PLEC-related disorders.

Allele frequency attached by ClinVar (database versions not stated): gnomAD 0.00028 and 0.00031; gnomAD exomes 0.00062 and 0.00059; ESP Exome Variant Server 0.00031; 1000 Genomes Project 30x 0.00062; 1000 Genomes Project 0.00020; TOPMed 0.00031; ExAC 0.00090.

Submissions (3):

PreventionGenetics, part of Exact Sciences
Classification: Likely benign for PLEC-related condition. Last evaluated: 2025-01-28. Review status: criteria provided, single submitter. Criteria: ACMG Guidelines, 2015. Collection method: clinical testing. Allele origin: germline.
Comment: This variant is classified as likely benign based on ACMG/AMP sequence variant interpretation guidelines (Richards et al. 2015 PMID: 25741868, with internal and published modifications).

Blueprint Genetics
Classification: Likely benign. Last evaluated: 2024-11-21. Review status: criteria provided, single submitter. Criteria: ACMG Guidelines, 2015. Collection method: clinical testing. Allele origin: germline.

Athena Diagnostics
Classification: Uncertain significance. Last evaluated: 2016-12-30. Review status: criteria provided, single submitter. Criteria: Athena Diagnostics Criteria. Collection method: clinical testing. Allele origin: germline.

NM_201378.4(PLEC):c.71-11768C>T

Gene: PLEC (plectin; minus strand). Cytogenetic location: 8q24.3.
Variant type: single nucleotide variant.
Coding change: c.71-11768C>T on transcript NM_201378.4 (MANE Plus Clinical); 11768 bases into the intron before coding-DNA position 71, C replaced by T.
Molecular consequence: intron variant. On other transcripts: missense variant (1).
Genome position (GRCh38, 1-based): chr8:143,950,460, G>A on the plus strand (C>T on the coding strand, the complement: PLEC is on the minus strand). VCF-style: chr8-143950460-G-A. GRCh37 (hg19) VCF-style: chr8-145024628-G-A.
Other names: c.247C>T, p.Arg83Cys (NM_201380.4); c.194-11768C>T (NM_001410941.1, NM_000445.5); c.46+3266C>T (NM_201379.3); short protein forms R83C.
Identifiers: ClinVar variation 448057 (VCV000448057.5), dbSNP rs200878086, ClinGen allele CA4928986.